The following is an entry in ClinVar:

ClinVar aggregate classification (germline): Uncertain significance (1 of 4 stars; one submission).

Allele frequency attached by ClinVar (database versions not stated): TOPMed below 0.00001; ExAC 0.00001; gnomAD exomes below 0.00001.
gnomAD v4.1: 2 of 1,608,864 alleles (0.00012%); highest among the groups gnomAD compares: Non-Finnish European, 0.00017%; no homozygotes.

Submission:

Laboratory for Molecular Medicine, Mass General Brigham Personalized Medicine
Classification: Uncertain significance. Last evaluated: 2018-06-14. Review status: criteria provided, single submitter. Criteria: LMM Criteria. Collection method: clinical testing. Allele origin: germline. Observed: 1 variant allele.
Comment: The p.Lys15726Asn variant in TTN has not been previously reported in individuals with cardiomyopathy, but has been identified in 1/106568 European chromosomes b y the Genome Aggregation Database (gnomAD). Co mputational prediction tools and conservation analysis do not provide strong sup port for or against an impact to the protein. In summary, the clinical significa nce of the p.Lys15726Asn variant is uncertain. ACMG/AMP Criteria applied: PM2.

NM_001267550.2(TTN):c.54882A>C (p.Lys18294Asn)

Genes: TTN (titin; minus strand), TTN-AS1 (TTN antisense RNA 1; plus strand). Cytogenetic location: 2q31.2.
Variant type: single nucleotide variant.
Coding change: c.54882A>C on transcript NM_001267550.2 (MANE Select); coding-DNA position 54882, A replaced by C.
Protein change: p.Lys18294Asn; replaces lysine 18294 with asparagine.
Molecular consequence: missense variant.
Genome position (GRCh38, 1-based): chr2:178,602,520, T>G on the plus strand (A>C on the coding strand, the complement: TTN is on the minus strand). VCF-style: chr2-178602520-T-G. GRCh37 (hg19) VCF-style: chr2-179467247-T-G.
Other names: c.49959A>C, p.Lys16653Asn (NM_001256850.1); c.27687A>C, p.Lys9229Asn (NM_003319.4); c.47178A>C, p.Lys15726Asn (NM_133378.4); c.28062A>C, p.Lys9354Asn (NM_133432.3); c.28263A>C, p.Lys9421Asn (NM_133437.4); short protein forms K9229N, K18294N, K9354N, K9421N, K15726N, K16653N.
Identifiers: ClinVar variation 666943 (VCV000666943.4), dbSNP rs770482704, ClinGen allele CA1993560.